The following is an entry in ClinVar:

ClinVar aggregate classification (germline): Uncertain significance (1 of 4 stars; one submission).

Submission:

Ambry Genetics
Classification: Uncertain significance. Last evaluated: 2022-12-01. Review status: criteria provided, single submitter. Criteria: Ambry Variant Classification Scheme 2023. Collection method: clinical testing. Allele origin: germline.
Comment: The p.P208S variant (also known as c.622C>T), located in coding exon 7 of the NPAT gene, results from a C to T substitution at nucleotide position 622. The proline at codon 208 is replaced by serine, an amino acid with similar properties. This amino acid position is conserved. In addition, this alteration is predicted to be tolerated by in silico analysis. Since supporting evidence is limited at this time, the clinical significance of this alteration remains unclear.

NM_002519.3(NPAT):c.622C>T (p.Pro208Ser)

Gene: NPAT (nuclear protein, coactivator of histone transcription; minus strand). Cytogenetic location: 11q22.3.
Variant type: single nucleotide variant.
Coding change: c.622C>T on transcript NM_002519.3 (MANE Select); coding-DNA position 622, C replaced by T.
Protein change: p.Pro208Ser; replaces proline 208 with serine.
Molecular consequence: missense variant.
Genome position (GRCh38, 1-based): chr11:108,188,114, G>A on the plus strand (C>T on the coding strand, the complement: NPAT is on the minus strand). VCF-style: chr11-108188114-G-A. GRCh37 (hg19) VCF-style: chr11-108058841-G-A.
Other names: c.622C>T, p.Pro208Ser (NM_001321307.1); short protein forms P208S.
Identifiers: ClinVar variation 2453744 (VCV002453744.2), dbSNP rs2496743131, ClinGen allele CA382522956.
Genomic context (GRCh38, chr11:108,188,114, plus strand): 5'-TTTTAATGGATACGGGTAACTTGTCTCTTTTAAAAAGCATTTACCTTTTGCGTCTACCGG[G>A]AGACATTAAACTGGCATGTGCTTTCTTTTCCTGAGCACCAGGAATGACATTTAAAGCTTC-3'
Protein context (NP_002510.2, residues 198-218): EKKAHASLMS[Pro208Ser]GRRKSESQRK